The following is an entry in ClinVar:

NM_001365951.3(KIF1B):c.244C>G (p.Leu82Val)

Gene: KIF1B (kinesin family member 1B; plus strand). Cytogenetic location: 1p36.22.
Variant type: single nucleotide variant.
Coding change: c.244C>G on transcript NM_001365951.3 (MANE Select); coding-DNA position 244, C replaced by G.
Protein change: p.Leu82Val; replaces leucine 82 with valine.
Molecular consequence: missense variant.
Genome position (GRCh38, 1-based): chr1:10,258,553, C>G. VCF-style: chr1-10258553-C-G. GRCh37 (hg19) VCF-style: chr1-10318611-C-G.
Other names: c.244C>G, p.Leu82Val (NM_001365952.1, NM_001365953.1, NM_015074.3 and 1 more transcripts); short protein forms L82V.
Identifiers: ClinVar variation 3533985 (VCV003533985.1).

ClinVar aggregate classification (germline): Uncertain significance (1 of 4 stars; one submission).

Submission:

Ambry Genetics
Classification: Uncertain significance. Last evaluated: 2024-08-21. Review status: criteria provided, single submitter. Criteria: Ambry Variant Classification Scheme 2023. Collection method: clinical testing. Allele origin: germline.
Comment: The p.L82V variant (also known as c.244C>G), located in coding exon 3 of the KIF1B gene, results from a C to G substitution at nucleotide position 244. The leucine at codon 82 is replaced by valine, an amino acid with highly similar properties. This amino acid position is conserved. In addition, the in silico prediction for this alteration is inconclusive. Based on the available evidence, the clinical significance of this variant remains unclear.